The following is an entry in ClinVar:

ClinVar aggregate classification (germline): Likely benign. Review status: criteria provided, single submitter (1 of 4 stars). 2 submissions from 2 submitters: Likely benign (1). 1 of the submissions does not count toward it. Last evaluated 2023-04-01.

Conditions:
HSPA1L-related disorder. Also called: HSPA1L-related condition.

Allele frequency attached by ClinVar (database versions not stated): ESP Exome Variant Server 0.00108; gnomAD 0.00111; TOPMed 0.00111; ExAC 0.00145; gnomAD exomes 0.00150; 1000 Genomes Project 30x 0.00265; 1000 Genomes Project 0.00319.
gnomAD v4.1: 2,358 of 1,614,108 alleles (0.15%); highest among the groups gnomAD compares: South Asian, 0.39%; 10 homozygotes.

Submissions (2):

CeGaT Center for Human Genetics Tuebingen
Classification: Likely benign. Last evaluated: 2023-04-01. Review status: criteria provided, single submitter. Criteria: CeGaT Center For Human Genetics Tuebingen Variant Classification Criteria Version 2. Collection method: clinical testing. Allele origin: germline. Affected: yes. Observed: 1 variant allele.
Comment: HSPA1L: BP4, BP7

PreventionGenetics, part of Exact Sciences
Classification: Likely benign for HSPA1L-related condition. Last evaluated: 2019-04-10. Review status: no assertion criteria provided. Collection method: clinical testing. Allele origin: germline. Not counted in ClinVar's aggregate classification.
Comment: This variant is classified as likely benign based on ACMG/AMP sequence variant interpretation guidelines (Richards et al. 2015 PMID: 25741868, with internal and published modifications).

NM_005527.4(HSPA1L):c.747G>A (p.Arg249=)

Gene: HSPA1L (heat shock protein family A (Hsp70) member 1 like; minus strand). Cytogenetic location: 6p21.33.
Variant type: single nucleotide variant.
Coding change: c.747G>A on transcript NM_005527.4 (MANE Select); coding-DNA position 747, G replaced by A.
Protein change: p.Arg249=; no amino-acid change (arginine 249 retained).
Molecular consequence: synonymous variant.
Genome position (GRCh38, 1-based): chr6:31,811,226, C>T on the plus strand (G>A on the coding strand, the complement: HSPA1L is on the minus strand). VCF-style: chr6-31811226-C-T. GRCh37 (hg19) VCF-style: chr6-31779003-C-T.
Other names: c.747G>A (NM_005527.3).
Identifiers: ClinVar variation 2656430 (VCV002656430.25), dbSNP rs116768554, ClinGen allele CA3724023.